The following is an entry in ClinVar:

ClinVar aggregate classification (germline): Uncertain significance. Review status: criteria provided, multiple submitters, no conflicts (2 of 4 stars). 2 submissions from 2 submitters: Uncertain significance (2). Last evaluated 2025-12-02.

Conditions:
Inborn genetic diseases. Identifiers: MedGen C0950123, MeSH D030342.
Spinocerebellar ataxia, autosomal recessive 28. Identifiers: MedGen C5394101, MONDO:0032923, OMIM 618800.

gnomAD v4.1: 2 of 1,614,076 alleles (0.00012%); highest among the groups gnomAD compares: African/African-American, 0.0027%; no homozygotes.

Submissions (2):

Dasa
Classification: Uncertain significance for Spinocerebellar ataxia, autosomal recessive 28. Last evaluated: 2025-12-02. Review status: criteria provided, single submitter. Criteria: DASA Assertion Criteria. Collection method: clinical testing. Allele origin: germline.
Comment: NM_017872.5(THG1L):c.214G>A (p.Ala72Thr) is a missense variant that results in the substitution of alanine with threonine. The affected residue or protein region has prior evidence supporting clinical relevance. This variant is rare in population databases. The currently available literature and clinical evidence are not sufficient to establish a definitive association between this variant and the reported condition. Therefore, this variant is classified as a variant of uncertain significance.

Ambry Genetics
Classification: Uncertain significance for Inborn genetic diseases. Last evaluated: 2025-05-20. Review status: criteria provided, single submitter. Criteria: Ambry Variant Classification Scheme 2023. Collection method: clinical testing. Allele origin: germline.

NM_017872.5(THG1L):c.214G>A (p.Ala72Thr)

Gene: THG1L (tRNA-histidine guanylyltransferase 1 like; plus strand). Cytogenetic location: 5q33.3.
Variant type: single nucleotide variant.
Coding change: c.214G>A on transcript NM_017872.5 (MANE Select); coding-DNA position 214, G replaced by A.
Protein change: p.Ala72Thr; replaces alanine 72 with threonine.
Molecular consequence: missense variant. On other transcripts: 5 prime UTR variant (2).
Genome position (GRCh38, 1-based): chr5:157,732,890, G>A. VCF-style: chr5-157732890-G-A. GRCh37 (hg19) VCF-style: chr5-157159898-G-A.
Other names: c.-88G>A (NM_001317824.2); c.-158G>A (NM_001317825.2); c.28G>A, p.Ala10Thr (NM_001317826.2); short protein forms A72T, A10T.
Identifiers: ClinVar variation 3968475 (VCV003968475.3).